The following is an entry in ClinVar:

NM_000064.4(C3):c.4317C>T (p.Ser1439=)

Gene: C3 (complement C3; minus strand). Cytogenetic location: 19p13.3.
Variant type: single nucleotide variant.
Coding change: c.4317C>T on transcript NM_000064.4 (MANE Select); coding-DNA position 4317, C replaced by T.
Protein change: p.Ser1439=; no amino-acid change (serine 1439 retained).
Molecular consequence: synonymous variant.
Genome position (GRCh38, 1-based): chr19:6,681,974, G>A on the plus strand (C>T on the coding strand, the complement: C3 is on the minus strand). VCF-style: chr19-6681974-G-A. GRCh37 (hg19) VCF-style: chr19-6681985-G-A.
Identifiers: ClinVar variation 1337339 (VCV001337339.10), dbSNP rs779838912, ClinGen allele CA9128439.

ClinVar aggregate classification (germline): Conflicting classifications of pathogenicity. Review status: criteria provided, conflicting classifications (1 of 4 stars). 4 submissions from 4 submitters: Uncertain significance (1); Likely benign (2). 1 of the submissions does not count toward it. Last evaluated 2026-01-29.

Conditions:
C3-related disorder. Also called: C3-related condition.

Allele frequency attached by ClinVar (database versions not stated): gnomAD 0.00003.
gnomAD v4.1: 25 of 1,613,942 alleles (0.0015%); highest among the groups gnomAD compares: East Asian, 0.0022%; no homozygotes.

Submissions (4):

Labcorp Genetics (formerly Invitae), Labcorp
Classification: Likely benign. Last evaluated: 2026-01-29. Review status: criteria provided, single submitter. Criteria: Invitae Variant Classification Sherloc (09022015). Collection method: clinical testing. Allele origin: germline.

Genetic Services Laboratory, University of Chicago
Classification: Likely benign. Last evaluated: 2019-09-06. Review status: criteria provided, single submitter. Criteria: ACMG Guidelines, 2015. Collection method: clinical testing. Allele origin: germline. Affected: no.

Blueprint Genetics
Classification: Uncertain significance. Last evaluated: 2017-08-10. Review status: criteria provided, single submitter. Criteria: ACMG Guidelines, 2015. Collection method: clinical testing. Allele origin: germline.

PreventionGenetics, part of Exact Sciences
Classification: Likely benign for C3-related condition. Last evaluated: 2019-02-22. Review status: no assertion criteria provided. Collection method: clinical testing. Allele origin: germline. Not counted in ClinVar's aggregate classification.
Comment: This variant is classified as likely benign based on ACMG/AMP sequence variant interpretation guidelines (Richards et al. 2015 PMID: 25741868, with internal and published modifications).